The following is an entry in ClinVar:

NM_007254.4(PNKP):c.61C>G (p.Pro21Ala)

Gene: PNKP (polynucleotide kinase 3'-phosphatase; minus strand). Cytogenetic location: 19q13.33.
Variant type: single nucleotide variant.
Coding change: c.61C>G on transcript NM_007254.4 (MANE Select); coding-DNA position 61, C replaced by G.
Protein change: p.Pro21Ala; replaces proline 21 with alanine.
Molecular consequence: missense variant.
Genome position (GRCh38, 1-based): chr19:49,867,144, G>C on the plus strand (C>G on the coding strand, the complement: PNKP is on the minus strand). VCF-style: chr19-49867144-G-C. GRCh37 (hg19) VCF-style: chr19-50370401-G-C.
Other names: short protein forms P21A.
Identifiers: ClinVar variation 638903 (VCV000638903.9), dbSNP rs201748578, ClinGen allele CA9587089.
Genomic context (GRCh38, chr19:49,867,144, plus strand): 5'-CCTGGGTCAGGGGTCCCCTGCCCAGGACCAGGGCTTGCCCGTCCGAGGGCAGGAAGATGG[G>C]GGGCGCTCCCCCAGGGGGGCTCTCGAGCCACAAGCGGCCCGGGGCCTCCACCTCGCCCAT-3'
Protein context (NP_009185.2, residues 11-31): WLESPPGGAP[Pro21Ala]IFLPSDGQAL

ClinVar aggregate classification (germline): Uncertain significance. Review status: criteria provided, multiple submitters, no conflicts (2 of 4 stars). 2 submissions from 2 submitters: Uncertain significance (2). Last evaluated 2024-10-25.

Conditions:
Developmental and epileptic encephalopathy, 12 (DEE12). Identifiers: MedGen C3150988, MONDO:0013389, OMIM 613722.

Allele frequency attached by ClinVar (database versions not stated): gnomAD 0.00004 and 0.00005; TOPMed 0.00008; 1000 Genomes Project 0.00040; 1000 Genomes Project 30x 0.00062.
gnomAD v4.1: 46 of 1,612,846 alleles (0.0029%); highest among the groups gnomAD compares: East Asian, 0.098%; no homozygotes.

Submissions (2):

Labcorp Genetics (formerly Invitae), Labcorp
Classification: Uncertain significance for Developmental and epileptic encephalopathy, 12. Last evaluated: 2024-10-25. Review status: criteria provided, single submitter. Criteria: Invitae Variant Classification Sherloc (09022015). Collection method: clinical testing. Allele origin: germline.
Comment: This sequence change replaces proline, which is neutral and non-polar, with alanine, which is neutral and non-polar, at codon 21 of the PNKP protein (p.Pro21Ala). This variant is present in population databases (rs201748578, gnomAD 0.2%). This variant has not been reported in the literature in individuals affected with PNKP-related conditions. ClinVar contains an entry for this variant (Variation ID: 638903). An algorithm developed to predict the effect of missense changes on protein structure and function (PolyPhen-2) suggests that this variant¬†is likely to be tolerated. In summary, the available evidence is currently insufficient to determine the role of this variant in disease. Therefore, it has been classified as a Variant of Uncertain Significance.

Blueprint Genetics
Classification: Uncertain significance. Last evaluated: 2021-10-06. Review status: criteria provided, single submitter. Criteria: ACMG Guidelines, 2015. Collection method: clinical testing. Allele origin: germline.